The following is an entry in ClinVar:

ClinVar aggregate classification (germline): Uncertain significance. Review status: criteria provided, multiple submitters, no conflicts (2 of 4 stars). 2 submissions from 2 submitters: Uncertain significance (2). Last evaluated 2024-08-30.

Submissions (2):

Revvity Omics, Revvity
Classification: Uncertain significance. Last evaluated: 2024-08-30. Review status: criteria provided, single submitter. Criteria: ACMG Guidelines, 2015. Collection method: clinical testing. Allele origin: germline.

Labcorp Genetics (formerly Invitae), Labcorp
Classification: Uncertain significance. Last evaluated: 2024-07-30. Review status: criteria provided, single submitter. Criteria: Invitae Variant Classification Sherloc (09022015). Collection method: clinical testing. Allele origin: germline.
Comment: This sequence change affects codon 1408 of the SPTB mRNA. It is a 'silent' change, meaning that it does not change the encoded amino acid sequence of the SPTB protein. This variant is not present in population databases (gnomAD no frequency). This variant has not been reported in the literature in individuals affected with SPTB-related conditions. Algorithms developed to predict the effect of sequence changes on RNA splicing suggest that this variant may disrupt the consensus splice site. In summary, the available evidence is currently insufficient to determine the role of this variant in disease. Therefore, it has been classified as a Variant of Uncertain Significance.

NM_001355436.2(SPTB):c.4224C>T (p.Gly1408=)

Gene: SPTB (spectrin beta, erythrocytic; minus strand). Cytogenetic location: 14q23.3.
Variant type: single nucleotide variant.
Coding change: c.4224C>T on transcript NM_001355436.2 (MANE Select); coding-DNA position 4224, C replaced by T.
Protein change: p.Gly1408=; no amino-acid change (glycine 1408 retained).
Molecular consequence: synonymous variant.
Genome position (GRCh38, 1-based): chr14:64,782,332, G>A on the plus strand (C>T on the coding strand, the complement: SPTB is on the minus strand). VCF-style: chr14-64782332-G-A. GRCh37 (hg19) VCF-style: chr14-65249050-G-A.
Other names: c.4224C>T, p.Gly1408= (NM_001024858.4, NM_001355437.2).
Identifiers: ClinVar variation 3631723 (VCV003631723.3).
Genomic context (GRCh38, chr14:64,782,332, plus strand): 5'-TACAACCCACTCACGTGCCTTCAGCTTAGCCAACATCCGATTGACACTGGTCAGGTCCTT[G>A]CCCGGGTCGTCTGACCGCAGCTGGTCCTCCATGGCGCTGATCCACTTGTTGAGGTCAGCA-3'
Protein context (NP_001342365.1, residues 1398-1418): MEDQLRSDDP[Gly1408=]KDLTSVNRML